The following is an entry in ClinVar:

ClinVar aggregate classification (germline): Uncertain significance. Review status: criteria provided, multiple submitters, no conflicts (2 of 4 stars). 3 submissions from 3 submitters: Uncertain significance (3). Last evaluated 2025-12-15.

Allele frequency attached by ClinVar (database versions not stated): ExAC 0.00001; gnomAD exomes 0.00001 and 0.00003; TOPMed 0.00002; ESP Exome Variant Server 0.00008.
gnomAD v4.1: 45 of 1,613,558 alleles (0.0028%); highest among the groups gnomAD compares: Non-Finnish European, 0.0034%; no homozygotes.

Submissions (3):

Labcorp Genetics (formerly Invitae), Labcorp
Classification: Uncertain significance. Last evaluated: 2025-12-15. Review status: criteria provided, single submitter. Criteria: Invitae Variant Classification Sherloc (09022015). Collection method: clinical testing. Allele origin: germline.
Comment: This sequence change replaces arginine, which is basic and polar, with cysteine, which is neutral and slightly polar, at codon 1556 of the LRP5 protein (p.Arg1556Cys). This variant is present in population databases (rs140474222, gnomAD 0.006%). This variant has not been reported in the literature in individuals affected with LRP5-related conditions. ClinVar contains an entry for this variant (Variation ID: 1507372). Invitae Evidence Modeling of protein sequence and biophysical properties (such as structural, functional, and spatial information, amino acid conservation, physicochemical variation, residue mobility, and thermodynamic stability) indicates that this missense variant is not expected to disrupt LRP5 protein function with a negative predictive value of 95%. In summary, the available evidence is currently insufficient to determine the role of this variant in disease. Therefore, it has been classified as a Variant of Uncertain Significance.

Blueprint Genetics
Classification: Uncertain significance. Last evaluated: 2024-08-06. Review status: criteria provided, single submitter. Criteria: ACMG Guidelines, 2015. Collection method: clinical testing. Allele origin: germline.

GeneDx
Classification: Uncertain significance. Last evaluated: 2023-10-19. Review status: criteria provided, single submitter. Criteria: GeneDx Variant Classification Process June 2021. Collection method: clinical testing. Allele origin: germline. Affected: yes.
Comment: In silico analysis supports that this missense variant has a deleterious effect on protein structure/function; Has not been previously published as pathogenic or benign to our knowledge

NM_002335.4(LRP5):c.4666C>T (p.Arg1556Cys)

Gene: LRP5 (LDL receptor related protein 5; plus strand). Cytogenetic location: 11q13.2.
Variant type: single nucleotide variant.
Coding change: c.4666C>T on transcript NM_002335.4 (MANE Select); coding-DNA position 4666, C replaced by T.
Protein change: p.Arg1556Cys; replaces arginine 1556 with cysteine.
Molecular consequence: missense variant.
Genome position (GRCh38, 1-based): chr11:68,448,888, C>T. VCF-style: chr11-68448888-C-T. GRCh37 (hg19) VCF-style: chr11-68216356-C-T.
Other names: c.2923C>T, p.Arg975Cys (NM_001291902.2); c.4666C>T (NM_002335.2); short protein forms R975C, R1556C.
Identifiers: ClinVar variation 1507372 (VCV001507372.8), dbSNP rs140474222, ClinGen allele CA6150480.